The following is an entry in ClinVar:

ClinVar aggregate classification (germline): Uncertain significance. Review status: criteria provided, multiple submitters, no conflicts (2 of 4 stars). 2 submissions from 2 submitters: Uncertain significance (2). Last evaluated 2023-12-13.

Conditions:
Retinal dystrophy. Also called: Inherited retinal dystrophy. Identifiers: Orphanet 71862, MedGen C0854723, MeSH D058499, MONDO:0019118, HP:0000556.

Submissions (2):

Women's Health and Genetics/Laboratory Corporation of America, LabCorp
Classification: Uncertain significance. Last evaluated: 2023-12-13. Review status: criteria provided, single submitter. Criteria: LabCorp Variant Classification Summary - May 2015. Collection method: clinical testing. Allele origin: germline.
Comment: Variant summary: ABCA4 c.740A>C (p.Asn247Thr) results in a non-conservative amino acid change in the encoded protein sequence. Four of five in-silico tools predict a damaging effect of the variant on protein function. The variant was absent in 251460 control chromosomes (gnomAD). The available data on variant occurrences in the general population are insufficient to allow any conclusion about variant significance. c.740A>C has been reported in the literature in at least one individual affected with ABCA4-related retinopathy (e.g., Fujinami_2013, Cornelis_2017, Glinton_2022, Daich-Varela_2023). These data do not allow any conclusion about variant significance. To our knowledge, no experimental evidence demonstrating an impact on protein function has been reported. The following publications have been ascertained in the context of this evaluation (PMID: 23982839, 36178783, 28044389, 37331482). No submitters have reported clinical-significance assessments for this variant to ClinVar after 2014. Based on the evidence outlined above, the variant was classified as uncertain significance.

Dept Of Ophthalmology, Nagoya University
Classification: Uncertain significance for Retinal dystrophy. Last evaluated: 2023-10-01. Review status: criteria provided, single submitter. Criteria: Submitter's publication. Collection method: research. Allele origin: germline. Affected: yes.

Literature cited by the submitters: PubMed 28044389 (cited by Women's Health and Genetics/Laboratory Corporation of America, LabCorp); PubMed 23982839 (cited by Women's Health and Genetics/Laboratory Corporation of America, LabCorp); PubMed 37331482 (cited by Women's Health and Genetics/Laboratory Corporation of America, LabCorp); PubMed 36178783 (cited by Women's Health and Genetics/Laboratory Corporation of America, LabCorp).

NM_000350.3(ABCA4):c.740A>C (p.Asn247Thr)

Gene: ABCA4 (ATP binding cassette subfamily A member 4; minus strand). Cytogenetic location: 1p22.1.
Variant type: single nucleotide variant.
Coding change: c.740A>C on transcript NM_000350.3 (MANE Select); coding-DNA position 740, A replaced by C.
Protein change: p.Asn247Thr; replaces asparagine 247 with threonine.
Molecular consequence: missense variant.
Genome position (GRCh38, 1-based): chr1:94,098,822, T>G on the plus strand (A>C on the coding strand, the complement: ABCA4 is on the minus strand). VCF-style: chr1-94098822-T-G. GRCh37 (hg19) VCF-style: chr1-94564378-T-G.
Other names: c.740A>C, p.Asn247Thr (NM_001425324.1); short protein forms N247T.
Identifiers: ClinVar variation 2691658 (VCV002691658.2), dbSNP rs62645950, ClinGen allele CA341288979.